The following is an entry in ClinVar:

ClinVar aggregate classification (germline): Likely pathogenic (1 of 4 stars; one submission).

Submission:

Dasa
Classification: Likely pathogenic. Last evaluated: 2025-12-17. Review status: criteria provided, single submitter. Criteria: DASA Assertion Criteria. Collection method: clinical testing. Allele origin: germline.
Comment: NM_203475.3(PORCN):c.1087+1G>T affects a canonical splice site and is predicted to disrupt normal RNA splicing. Loss of function is an established disease mechanism for PORCN (PMID: 17546030; PMID: 17546031; PMID: 20854095). Also, this variant is absent from population databases. Based on the currently available evidence, this variant is classified as likely pathogenic.

Literature cited by the submitters: PubMed 17546030; PubMed 17546031; PubMed 20854095.

NM_203475.3(PORCN):c.1087+1G>T

Gene: PORCN (porcupine O-acyltransferase; plus strand). Cytogenetic location: Xp11.23.
Variant type: single nucleotide variant.
Coding change: c.1087+1G>T on transcript NM_203475.3 (MANE Select); the canonical splice donor site of the intron after coding-DNA position 1087, G replaced by T.
Molecular consequence: splice donor variant.
Genome position (GRCh38, 1-based): chrX:48,515,954, G>T. VCF-style: chrX-48515954-G-T. GRCh37 (hg19) VCF-style: chrX-48374342-G-T.
Other names: c.1411+1G>T (NM_001441333.1); c.1393+1G>T (NM_001441334.1); c.1246+1G>T (NM_001441336.1); c.1159+1G>T (NM_001441335.1); c.841+1G>T (NM_001282167.2); c.1072+1G>T (NM_203473.3); c.1054+1G>T (NM_022825.4); c.1069+1G>T (NM_203474.1).
Identifiers: ClinVar variation 4885794 (VCV004885794.2).